The following is an entry in ClinVar:

ClinVar aggregate classification (germline): Uncertain significance (1 of 4 stars; one submission).

Submission:

Ambry Genetics
Classification: Uncertain significance. Last evaluated: 2025-02-02. Review status: criteria provided, single submitter. Criteria: Ambry Variant Classification Scheme 2023. Collection method: clinical testing. Allele origin: germline.
Comment: The p.Q13E variant (also known as c.37C>G), located in coding exon 1 of the RAD51B gene, results from a C to G substitution at nucleotide position 37. The glutamine at codon 13 is replaced by glutamic acid, an amino acid with highly similar properties. This amino acid position is conserved. In addition, this alteration is predicted to be tolerated by in silico analysis. Based on the available evidence, the clinical significance of this variant remains unclear.

NM_133510.4(RAD51B):c.37C>G (p.Gln13Glu)

Gene: RAD51B (RAD51 paralog B; plus strand). Cytogenetic location: 14q24.1.
Variant type: single nucleotide variant.
Coding change: c.37C>G on transcript NM_133510.4 (MANE Select); coding-DNA position 37, C replaced by G.
Protein change: p.Gln13Glu; replaces glutamine 13 with glutamic acid.
Molecular consequence: missense variant. On other transcripts: 5 prime UTR variant (1).
Genome position (GRCh38, 1-based): chr14:67,823,580, C>G. VCF-style: chr14-67823580-C-G. GRCh37 (hg19) VCF-style: chr14-68290297-C-G.
Other names: c.37C>G, p.Gln13Glu (NM_001321809.2, NM_001321810.2, NM_001321812.1 and 6 more transcripts); c.-419C>G (NM_001321817.2); short protein forms Q13E.
Identifiers: ClinVar variation 3786443 (VCV003786443.1).
Genomic context (GRCh38, chr14:67,823,580, plus strand): 5'-CTTTTCTTTGCTGGATCTGGAGGCATGGGTAGCAAGAAACTAAAACGAGTGGGTTTATCA[C>G]AAGAGCTGTGTGACCGTCTGAGTAGACATCAGATCCTTACCTGTCAGGTAAATTTTATTT-3'
Protein context (NP_598194.1, residues 3-23): SKKLKRVGLS[Gln13Glu]ELCDRLSRHQ